The following is an entry in ClinVar:

NM_001458.5(FLNC):c.338A>G (p.Lys113Arg)

Gene: FLNC (filamin C; plus strand). Cytogenetic location: 7q32.1.
Variant type: single nucleotide variant.
Coding change: c.338A>G on transcript NM_001458.5 (MANE Select); coding-DNA position 338, A replaced by G.
Protein change: p.Lys113Arg; replaces lysine 113 with arginine.
Molecular consequence: missense variant.
Genome position (GRCh38, 1-based): chr7:128,830,975, A>G. VCF-style: chr7-128830975-A-G. GRCh37 (hg19) VCF-style: chr7-128471029-A-G.
Other names: c.338A>G, p.Lys113Arg (NM_001127487.2); short protein forms K113R.
Identifiers: ClinVar variation 2932113 (VCV002932113.3), dbSNP rs2536605791, ClinGen allele CA369217138.

ClinVar aggregate classification (germline): Uncertain significance (1 of 4 stars; one submission).

Conditions:
Hypertrophic cardiomyopathy 26. Also called: Cardiomyopathy, familial hypertrophic, 26. Identifiers: Orphanet 75249, MedGen C4310749, MONDO:0014883, OMIM 617047.
Myofibrillar myopathy 5. Also called: Filaminopathy (type); FILAMINOPATHY, AUTOSOMAL DOMINANT. Identifiers: Orphanet 171445, MedGen C1836050, MONDO:0012289, OMIM 609524.
Distal myopathy with posterior leg and anterior hand involvement. Also called: WILLIAMS DISTAL MYOPATHY. Identifiers: Orphanet 63273, MedGen C3279722, MONDO:0013550, OMIM 614065.

Submission:

Labcorp Genetics (formerly Invitae), Labcorp
Classification: Uncertain significance for Distal myopathy with posterior leg and anterior hand involvement; Myofibrillar myopathy 5; Hypertrophic cardiomyopathy 26. Last evaluated: 2023-05-27. Review status: criteria provided, single submitter. Criteria: Invitae Variant Classification Sherloc (09022015). Collection method: clinical testing. Allele origin: germline.
Comment: Advanced modeling of protein sequence and biophysical properties (such as structural, functional, and spatial information, amino acid conservation, physicochemical variation, residue mobility, and thermodynamic stability) has been performed at Invitae for this missense variant, however the output from this modeling did not meet the statistical confidence thresholds required to predict the impact of this variant on FLNC protein function. In summary, the available evidence is currently insufficient to determine the role of this variant in disease. Therefore, it has been classified as a Variant of Uncertain Significance. This variant has not been reported in the literature in individuals affected with FLNC-related conditions. This variant is not present in population databases (gnomAD no frequency). This sequence change replaces lysine, which is basic and polar, with arginine, which is basic and polar, at codon 113 of the FLNC protein (p.Lys113Arg).